The following is an entry in ClinVar:

NM_001277313.2(FMN1):c.2761C>T (p.Pro921Ser)

Gene: FMN1 (formin 1; minus strand). Cytogenetic location: 15q13.3.
Variant type: single nucleotide variant.
Coding change: c.2761C>T on transcript NM_001277313.2 (MANE Select); coding-DNA position 2761, C replaced by T.
Protein change: p.Pro921Ser; replaces proline 921 with serine.
Molecular consequence: missense variant.
Genome position (GRCh38, 1-based): chr15:32,968,940, G>A on the plus strand (C>T on the coding strand, the complement: FMN1 is on the minus strand). VCF-style: chr15-32968940-G-A. GRCh37 (hg19) VCF-style: chr15-33261141-G-A.
Other names: c.2092C>T, p.Pro698Ser (NM_001103184.4); short protein forms P698S, P921S.
Identifiers: ClinVar variation 4704039 (VCV004704039.1).

ClinVar aggregate classification (germline): Uncertain significance (1 of 4 stars; one submission).

gnomAD v4.1: 13 of 826,284 alleles (0.0016%); highest among the groups gnomAD compares: Non-Finnish European, 0.0021%; no homozygotes.

Submission:

Labcorp Genetics (formerly Invitae), Labcorp
Classification: Uncertain significance. Last evaluated: 2026-01-12. Review status: criteria provided, single submitter. Criteria: Invitae Variant Classification Sherloc (09022015). Collection method: clinical testing. Allele origin: germline.
Comment: This sequence change replaces proline, which is neutral and non-polar, with serine, which is neutral and polar, at codon 698 of the FMN1 protein (p.Pro698Ser). The frequency data for this variant in the population databases is considered unreliable, as metrics indicate poor data quality at this position in the gnomAD database. This variant has not been reported in the literature in individuals affected with FMN1-related conditions. Experimental studies and prediction algorithms are not available or were not evaluated, and the functional significance of this variant is currently unknown. In summary, the available evidence is currently insufficient to determine the role of this variant in disease. Therefore, it has been classified as a Variant of Uncertain Significance.